The following is an entry in ClinVar:

ClinVar aggregate classification (germline): Uncertain significance (1 of 4 stars; one submission).

Conditions:
Adams-Oliver syndrome 5 (AOS5). Identifiers: Orphanet 974, MedGen C4014970, MONDO:0014459, OMIM 616028.

Submission:

Labcorp Genetics (formerly Invitae), Labcorp
Classification: Uncertain significance for Adams-Oliver syndrome 5. Last evaluated: 2025-05-06. Review status: criteria provided, single submitter. Criteria: Invitae Variant Classification Sherloc (09022015). Collection method: clinical testing. Allele origin: germline.
Comment: This sequence change replaces leucine, which is neutral and non-polar, with valine, which is neutral and non-polar, at codon 2065 of the NOTCH1 protein (p.Leu2065Val). This variant is not present in population databases (gnomAD no frequency). This variant has not been reported in the literature in individuals affected with NOTCH1-related conditions. Invitae Evidence Modeling of protein sequence and biophysical properties (such as structural, functional, and spatial information, amino acid conservation, physicochemical variation, residue mobility, and thermodynamic stability) indicates that this missense variant is expected to disrupt NOTCH1 protein function with a positive predictive value of 80%. In summary, the available evidence is currently insufficient to determine the role of this variant in disease. Therefore, it has been classified as a Variant of Uncertain Significance.

NM_017617.5(NOTCH1):c.6193C>G (p.Leu2065Val)

Gene: NOTCH1 (notch receptor 1; minus strand). Cytogenetic location: 9q34.3.
Variant type: single nucleotide variant.
Coding change: c.6193C>G on transcript NM_017617.5 (MANE Select); coding-DNA position 6193, C replaced by G.
Protein change: p.Leu2065Val; replaces leucine 2065 with valine.
Molecular consequence: missense variant.
Genome position (GRCh38, 1-based): chr9:136,497,546, G>C on the plus strand (C>G on the coding strand, the complement: NOTCH1 is on the minus strand). VCF-style: chr9-136497546-G-C. GRCh37 (hg19) VCF-style: chr9-139391998-G-C.
Other names: short protein forms L2065V.
Identifiers: ClinVar variation 4738982 (VCV004738982.1).